The following is an entry in ClinVar:

ClinVar aggregate classification (germline): Pathogenic/Likely pathogenic. Review status: criteria provided, multiple submitters, no conflicts (2 of 4 stars). 4 submissions from 4 submitters: Pathogenic (3); Likely pathogenic (1). Last evaluated 2025-11-21.

Conditions:
Very long chain acyl-CoA dehydrogenase deficiency (ACADVLD). Also called: VLCAD Deficiency; Very Long-Chain Acyl-Coenzyme A Dehydrogenase Deficiency. Identifiers: Orphanet 26793, MedGen C3887523, MONDO:0008723, OMIM 201475.

Submissions (4):

Natera, Inc.
Classification: Pathogenic for Very long chain acyl-CoA dehydrogenase deficiency. Last evaluated: 2025-11-21. Review status: criteria provided, single submitter. Criteria: Natera Variant Classification Schema (03/2026). Collection method: clinical testing. Allele origin: germline.
Comment: The c.335delT variant in ACADVL is a frameshift variant predicted to shift the reading frame beginning at codon 112 and leads to a stop codon 5 codons downstream. This variant is expected to result in nonsense mediated decay, truncation, or a dysfunctional protein product. This variant is rare in the general population with a frequency below the threshold expected for the associated phenotype(s). This variant has been observed in one or more individuals affected with the associated recessive disease, as either homozygous or compound heterozygous with a second variant (PMID: 35281659). Given the available evidence, this variant is classified as Pathogenic.

Labcorp Genetics (formerly Invitae), Labcorp
Classification: Pathogenic for Very long chain acyl-CoA dehydrogenase deficiency. Last evaluated: 2024-10-30. Review status: criteria provided, single submitter. Criteria: Invitae Variant Classification Sherloc (09022015). Collection method: clinical testing. Allele origin: germline.
Comment: This sequence change creates a premature translational stop signal (p.Phe112Serfs*5) in the ACADVL gene. It is expected to result in an absent or disrupted protein product. Loss-of-function variants in ACADVL are known to be pathogenic (PMID: 9973285, 11590124). This variant is present in population databases (rs764028320, gnomAD 0.002%). This variant has not been reported in the literature in individuals affected with ACADVL-related conditions. ClinVar contains an entry for this variant (Variation ID: 1321382). For these reasons, this variant has been classified as Pathogenic.

Baylor Genetics
Classification: Pathogenic for Very long chain acyl-CoA dehydrogenase deficiency. Last evaluated: 2022-10-15. Review status: criteria provided, single submitter. Criteria: ACMG Guidelines, 2015. Collection method: clinical testing. Allele origin: unknown.

Women's Health and Genetics/Laboratory Corporation of America, LabCorp
Classification: Likely pathogenic for Very long chain acyl-CoA dehydrogenase deficiency. Last evaluated: 2021-10-17. Review status: criteria provided, single submitter. Criteria: LabCorp Variant Classification Summary - May 2015. Collection method: clinical testing. Allele origin: germline.
Comment: Variant summary: ACADVL c.335delT (p.Phe112SerfsX5) results in a premature termination codon, predicted to cause a truncation of the encoded protein or absence of the protein due to nonsense mediated decay, which are commonly known mechanisms for disease. Truncations downstream of this position have been classified as pathogenic by our laboratory. The variant allele was found at a frequency of 4e-06 in 251320 control chromosomes (gnomAD). To our knowledge, no occurrence of c.335delT in individuals affected with Very Long Chain Acyl-CoA Dehydrogenase Deficiency and no experimental evidence demonstrating its impact on protein function have been reported. No other clinical diagnostic laboratories have submitted clinical-significance assessments for this variant to ClinVar after 2014. Based on the evidence outlined above, the variant was classified as likely pathogenic.

Literature cited by the submitters: PubMed 35281659 (cited by Natera, Inc.); PubMed 9973285 (cited by Labcorp Genetics (formerly Invitae), Labcorp); PubMed 11590124 (cited by Labcorp Genetics (formerly Invitae), Labcorp).

NM_000018.4(ACADVL):c.335del (p.Phe112fs)

Gene: ACADVL (acyl-CoA dehydrogenase very long chain; plus strand). Cytogenetic location: 17p13.1.
Variant type: Deletion.
Coding change: c.335del on transcript NM_000018.4 (MANE Select); coding-DNA position 335, one base deleted (T; older notation c.335delT).
Protein change: p.Phe112fs; shifts the reading frame from phenylalanine 112.
Molecular consequence: frameshift variant.
Genome position (GRCh38, 1-based): chr17:7,220,823, T deleted; the last of 3 consecutive T bases (chr17:7,220,821-7,220,823); deleting any one gives the same sequence. VCF-style (leftmost placement, unchanged base first): chr17-7220820-GT-G. GRCh37 (hg19) VCF-style: chr17-7124139-GT-G.
Other names: c.269del, p.Phe90fs (NM_001033859.3); c.404del, p.Phe135fs (NM_001270447.2); c.107del, p.Phe36fs (NM_001270448.2); short protein forms F112fs, F135fs, F36fs, F90fs.
Identifiers: ClinVar variation 1321382 (VCV001321382.8), dbSNP rs764028320, ClinGen allele CA8337654.